The following is an entry in ClinVar:

ClinVar aggregate classification (germline): Uncertain significance. Review status: criteria provided, multiple submitters, no conflicts (2 of 4 stars). 2 submissions from 2 submitters: Uncertain significance (2). Last evaluated 2022-01-26.

Conditions:
Inborn genetic diseases. Identifiers: MedGen C0950123, MeSH D030342.

Allele frequency attached by ClinVar (database versions not stated): gnomAD exomes below 0.00001.
gnomAD v4.1: 1 of 1,608,652 alleles (0.000062%); highest among the groups gnomAD compares: Non-Finnish European, 0.000085%; no homozygotes.

Submissions (2):

Ambry Genetics
Classification: Uncertain significance for Inborn genetic diseases. Last evaluated: 2022-01-26. Review status: criteria provided, single submitter. Criteria: Ambry Variant Classification Scheme 2023. Collection method: clinical testing. Allele origin: germline.

Labcorp Genetics (formerly Invitae), Labcorp
Classification: Uncertain significance. Last evaluated: 2020-10-05. Review status: criteria provided, single submitter. Criteria: Invitae Variant Classification Sherloc (09022015). Collection method: clinical testing. Allele origin: germline.
Comment: In summary, the available evidence is currently insufficient to determine the role of this variant in disease. Therefore, it has been classified as a Variant of Uncertain Significance. Algorithms developed to predict the effect of missense changes on protein structure and function output the following: SIFT: "Deleterious"; PolyPhen-2: "Benign"; Align-GVGD: "Class C0". The leucine amino acid residue is found in multiple mammalian species, suggesting that this missense change does not adversely affect protein function. These predictions have not been confirmed by published functional studies and their clinical significance is uncertain. This variant has not been reported in the literature in individuals with CEP78-related conditions. This variant is not present in population databases (ExAC no frequency). This sequence change replaces proline with leucine at codon 716 of the CEP78 protein (p.Pro716Leu). The proline residue is weakly conserved and there is a moderate physicochemical difference between proline and leucine.

NM_001330691.3(CEP78):c.2107+37C>T

Gene: CEP78 (centrosomal protein 78; plus strand). Cytogenetic location: 9q21.2.
Variant type: single nucleotide variant.
Coding change: c.2107+37C>T on transcript NM_001330691.3 (MANE Select); 37 bases into the intron after coding-DNA position 2107, C replaced by T.
Molecular consequence: intron variant. On other transcripts: missense variant (4).
Genome position (GRCh38, 1-based): chr9:78,266,740, C>T. VCF-style: chr9-78266740-C-T. GRCh37 (hg19) VCF-style: chr9-80881656-C-T.
Other names: c.2147C>T, p.Pro716Leu (NM_001098802.3); c.2096C>T, p.Pro699Leu (NM_001330694.2); c.2144C>T, p.Pro715Leu (NM_001349838.2); c.2099C>T, p.Pro700Leu (NM_032171.3); c.2110+37C>T (NM_001349839.2); c.2062+37C>T (NM_001349840.2); c.2059+37C>T (NM_001330693.3); c.2147C>T (NM_001098802.1); short protein forms P716L, P699L, P700L, P715L.
Identifiers: ClinVar variation 1035809 (VCV001035809.7), dbSNP rs1827558848, ClinGen allele CA373868344.
Genomic context (GRCh38, chr9:78,266,740, plus strand): 5'-CTTCAGAGAAAAAGACCAAAACAGGTGAATATACCAAAAAACACTCTGATAAGCAACACC[C>T]TGGAAAGGACCTGCATTCCTGATCTGACTGTCCTGAAAACCAGAAAAGCAAAGAAACTAG-3'